The following is an entry in ClinVar:

NM_001039141.3(TRIOBP):c.6079G>A (p.Glu2027Lys)

Gene: TRIOBP (TRIO and F-actin binding protein; plus strand). Cytogenetic location: 22q13.1.
Variant type: single nucleotide variant.
Coding change: c.6079G>A on transcript NM_001039141.3 (MANE Select); coding-DNA position 6079, G replaced by A.
Protein change: p.Glu2027Lys; replaces glutamic acid 2027 with lysine.
Molecular consequence: missense variant.
Genome position (GRCh38, 1-based): chr22:37,758,004, G>A. VCF-style: chr22-37758004-G-A. GRCh37 (hg19) VCF-style: chr22-38154011-G-A.
Other names: c.940G>A, p.Glu314Lys (NM_007032.5, NM_138632.2); short protein forms E2027K, E314K.
Identifiers: ClinVar variation 2502120 (VCV002502120.2), dbSNP rs752517503, ClinGen allele CA10224871.
Genomic context (GRCh38, chr22:37,758,004, plus strand): 5'-CGCCGGGGCCTGGGTGCCCCCCTGACTGAGGACCAGCAAAACCGGCTTAGTGAGGAGATC[G>A]AGAAGAAGTGGCAGGAGCTGGAGAAGCTGCCCCTGCGGGAGAATAAGCGGGTGCCCCTCA-3'
Protein context (NP_001034230.1, residues 2017-2037): DQQNRLSEEI[Glu2027Lys]KKWQELEKLP

ClinVar aggregate classification (germline): Uncertain significance (1 of 4 stars; one submission).

Allele frequency attached by ClinVar (database versions not stated): TOPMed below 0.00001; gnomAD 0.00001; ExAC 0.00004.
gnomAD v4.1: 6 of 1,605,394 alleles (0.00037%); highest among the groups gnomAD compares: East Asian, 0.0045%; no homozygotes.

Submission:

GeneDx
Classification: Uncertain significance. Last evaluated: 2026-06-11. Review status: criteria provided, single submitter. Criteria: GeneDx Variant Classification Process June 2021. Collection method: clinical testing. Allele origin: germline.
Comment: Not observed at significant frequency in large population cohorts (gnomAD); In silico analysis supports that this missense variant has a deleterious effect on protein structure/function; Has not been previously published as pathogenic or benign to our knowledge